The following is an entry in ClinVar:

NM_000046.5(ARSB):c.272G>A (p.Cys91Tyr)

Genes: ARSB (arylsulfatase B; minus strand), LOC129994126 (ATAC-STARR-seq lymphoblastoid silent region 16127; plus strand). Cytogenetic location: 5q14.1.
Variant type: single nucleotide variant.
Coding change: c.272G>A on transcript NM_000046.5 (MANE Select); coding-DNA position 272, G replaced by A.
Protein change: p.Cys91Tyr; replaces cysteine 91 with tyrosine.
Molecular consequence: missense variant.
Genome position (GRCh38, 1-based): chr5:78,984,977, C>T on the plus strand (G>A on the coding strand, the complement: ARSB is on the minus strand). VCF-style: chr5-78984977-C-T. GRCh37 (hg19) VCF-style: chr5-78280800-C-T.
Other names: c.272G>A, p.Cys91Tyr (NM_198709.3); short protein forms C91Y.
Identifiers: ClinVar variation 559757 (VCV000559757.1), dbSNP rs1554032112, ClinGen allele CA360196455.

ClinVar aggregate classification (germline): Uncertain significance (1 of 4 stars; one submission).

Conditions:
Mucopolysaccharidosis type 6 (MPS6). Also called: N-ACETYLGALACTOSAMINE-4-SULFATASE DEFICIENCY; MPS VI; MPS 6; Maroteaux Lamy syndrome; ARSB DEFICIENCY; ARYLSULFATASE B DEFICIENCY. Identifiers: Orphanet 583, MedGen C0026709, MONDO:0009661, OMIM 253200.

Submission:

Laboratory of Diagnosis and Therapy of Lysosomal Disorders, University of Padova
Classification: Uncertain significance for Mucopolysaccharidosis type 6. Last evaluated: 2018-01-01. Review status: criteria provided, single submitter. Criteria: ACMG Guidelines, 2015. Collection method: curation. Allele origin: germline. Affected: yes.
Comment: Located in a well-established functional domain (PM1); Absent from GnomAD (PM2)

Literature cited by the submitters: PubMed 24373060; PubMed 30118150.